The following is an entry in ClinVar:

ClinVar aggregate classification (germline): Uncertain significance. Review status: criteria provided, multiple submitters, no conflicts (2 of 4 stars). 2 submissions from 2 submitters: Uncertain significance (2). Last evaluated 2024-08-16.

Submissions (2):

Blueprint Genetics
Classification: Uncertain significance. Last evaluated: 2024-08-16. Review status: criteria provided, single submitter. Criteria: ACMG Guidelines, 2015. Collection method: clinical testing. Allele origin: germline.

GeneDx
Classification: Uncertain significance. Last evaluated: 2023-05-22. Review status: criteria provided, single submitter. Criteria: GeneDx Variant Classification Process June 2021. Collection method: clinical testing. Allele origin: germline. Affected: yes.
Comment: Not observed at significant frequency in large population cohorts (gnomAD); In silico analysis supports that this missense variant has a deleterious effect on protein structure/function; Has not been previously published as pathogenic or benign to our knowledge

NM_004519.4(KCNQ3):c.1306C>G (p.Arg436Gly)

Gene: KCNQ3 (potassium voltage-gated channel subfamily Q member 3; minus strand). Cytogenetic location: 8q24.22.
Variant type: single nucleotide variant.
Coding change: c.1306C>G on transcript NM_004519.4 (MANE Select); coding-DNA position 1306, C replaced by G.
Protein change: p.Arg436Gly; replaces arginine 436 with glycine.
Molecular consequence: missense variant.
Genome position (GRCh38, 1-based): chr8:132,141,288, G>C on the plus strand (C>G on the coding strand, the complement: KCNQ3 is on the minus strand). VCF-style: chr8-132141288-G-C. GRCh37 (hg19) VCF-style: chr8-133153535-G-C.
Other names: c.946C>G, p.Arg316Gly (NM_001204824.2); short protein forms R316G, R436G.
Identifiers: ClinVar variation 3343800 (VCV003343800.2).